The following is an entry in ClinVar:

NM_000553.6(WRN):c.3459G>A (p.Gln1153=)

Gene: WRN (WRN RecQ like helicase; plus strand). Cytogenetic location: 8p12.
Variant type: single nucleotide variant.
Coding change: c.3459G>A on transcript NM_000553.6 (MANE Select); coding-DNA position 3459, G replaced by A.
Protein change: p.Gln1153=; no amino-acid change (glutamine 1153 retained).
Molecular consequence: synonymous variant.
Genome position (GRCh38, 1-based): chr8:31,147,128, G>A. VCF-style: chr8-31147128-G-A. GRCh37 (hg19) VCF-style: chr8-31004644-G-A.
Identifiers: ClinVar variation 837395 (VCV000837395.4), dbSNP rs1802888249, ClinGen allele CA460223983.

ClinVar aggregate classification (germline): Uncertain significance (1 of 4 stars; one submission).

Conditions:
Werner syndrome (WRN). Identifiers: Orphanet 902, MedGen C0043119, MONDO:0010196, OMIM 277700.

Allele frequency attached by ClinVar (database versions not stated): gnomAD exomes 0.00001.

Submission:

Labcorp Genetics (formerly Invitae), Labcorp
Classification: Uncertain significance for Werner syndrome. Last evaluated: 2020-03-18. Review status: criteria provided, single submitter. Criteria: Invitae Variant Classification Sherloc (09022015). Collection method: clinical testing. Allele origin: germline.
Comment: This sequence change affects codon 1153 of the WRN mRNA. It is a 'silent' change, meaning that it does not change the encoded amino acid sequence of the WRN protein. This variant also falls at the last nucleotide of exon 29 of the WRN coding sequence, which is part of the consensus splice site for this exon. This variant is not present in population databases (ExAC no frequency). This variant has not been reported in the literature in individuals with WRN-related conditions. Nucleotide substitutions within the consensus splice site are a relatively common cause of aberrant splicing (PMID: 17576681, 9536098). Algorithms developed to predict the effect of sequence changes on RNA splicing suggest that this variant may disrupt the consensus splice site, but this prediction has not been confirmed by published transcriptional studies. In summary, the available evidence is currently insufficient to determine the role of this variant in disease. Therefore, it has been classified as a Variant of Uncertain Significance.

Literature cited by the submitters: PubMed 17576681; PubMed 9536098.